The following is an entry in ClinVar:

ClinVar aggregate classification (germline): Likely pathogenic (1 of 4 stars; one submission).

Conditions:
Craniofrontonasal syndrome (CFNS). Also called: CRANIOFRONTONASAL DYSOSTOSIS. Identifiers: Orphanet 1520, MedGen C0220767, MONDO:0010570, OMIM 304110.

Submission:

Variantyx, Inc.
Classification: Likely pathogenic for Craniofrontonasal syndrome. Last evaluated: 2025-09-10. Review status: criteria provided, single submitter. Criteria: Variantyx Assertion Criteria 2022. Collection method: clinical testing. Allele origin: maternal. Inheritance: X-linked dominant inheritance.
Comment: This is a nonsynonymous variant in the EFNB1 gene (OMIM: 300035). Pathogenic variants in this gene have been associated with X-linked craniofrontonasal dysplasia. This variant has been reported in at least 1 affected individual (PMID: 15959873) (PS4). This variant lies within a well-established critical functional domain of the EFNB1 protein (PMID: 39864628) (PM1), and multiple computational algorithms predict a deleterious effect (REVEL score: 0.955) (PP3). This variant is absent from control populations (PM2). Based on the current evidence, this variant is classified as likely pathogenic for X-linked craniofrontonasal dysplasia.

Literature cited by the submitters: PubMed 39864628; PubMed 15959873.

NM_004429.5(EFNB1):c.413C>T (p.Ser138Phe)

Gene: EFNB1 (ephrin B1; plus strand). Cytogenetic location: Xq13.1.
Variant type: single nucleotide variant.
Coding change: c.413C>T on transcript NM_004429.5 (MANE Select); coding-DNA position 413, C replaced by T.
Protein change: p.Ser138Phe; replaces serine 138 with phenylalanine.
Molecular consequence: missense variant.
Genome position (GRCh38, 1-based): chrX:68,839,670, C>T. VCF-style: chrX-68839670-C-T. GRCh37 (hg19) VCF-style: chrX-68059513-C-T.
Other names: short protein forms S138F.
Identifiers: ClinVar variation 4795920 (VCV004795920.1).